The following is an entry in ClinVar:

ClinVar aggregate classification (germline): Conflicting classifications of pathogenicity. Review status: criteria provided, conflicting classifications (1 of 4 stars). 2 submissions from 2 submitters: Uncertain significance (1); Likely benign (1). Last evaluated 2025-06-03.

Conditions:
Inborn genetic diseases. Identifiers: MedGen C0950123, MeSH D030342.

Allele frequency attached by ClinVar (database versions not stated): TOPMed 0.00009; ESP Exome Variant Server 0.00023; ExAC 0.00003; gnomAD 0.00003.
gnomAD v4.1: 19 of 1,614,054 alleles (0.0012%); highest among the groups gnomAD compares: African/African-American, 0.015%; no homozygotes.

Submissions (2):

Ambry Genetics
Classification: Likely benign for Inborn genetic diseases. Last evaluated: 2025-06-03. Review status: criteria provided, single submitter. Criteria: Ambry Variant Classification Scheme 2023. Collection method: clinical testing. Allele origin: germline.

Women's Health and Genetics/Laboratory Corporation of America, LabCorp
Classification: Uncertain significance. Last evaluated: 2023-10-11. Review status: criteria provided, single submitter. Criteria: LabCorp Variant Classification Summary - May 2015. Collection method: clinical testing. Allele origin: germline.
Comment: Variant summary: POGZ c.4135A>G (p.Ile1379Val) results in a conservative amino acid change in the encoded protein sequence. Five of five in-silico tools predict a benign effect of the variant on protein function. The variant allele was found at a frequency of 3.6e-05 in 251430 control chromosomes, predominantly at a frequency of 0.00043 within the African or African-American subpopulation in the gnomAD database. The available data on variant occurrences in the general population are insufficient to allow any conclusion about variant significance. To our knowledge, no occurrence of c.4135A>G in individuals affected with White-Sutton Syndrome and no experimental evidence demonstrating its impact on protein function have been reported. One submitter has cited clinical-significance assessments for this variant to ClinVar after 2014 and has classified the variant as likely benign. Based on the evidence outlined above, the variant was classified as uncertain significance.

NM_015100.4(POGZ):c.4135A>G (p.Ile1379Val)

Gene: POGZ (pogo transposable element derived with ZNF domain; minus strand). Cytogenetic location: 1q21.3.
Variant type: single nucleotide variant.
Coding change: c.4135A>G on transcript NM_015100.4 (MANE Select); coding-DNA position 4135, A replaced by G.
Protein change: p.Ile1379Val; replaces isoleucine 1379 with valine.
Molecular consequence: missense variant.
Genome position (GRCh38, 1-based): chr1:151,404,900, T>C on the plus strand (A>G on the coding strand, the complement: POGZ is on the minus strand). VCF-style: chr1-151404900-T-C. GRCh37 (hg19) VCF-style: chr1-151377376-T-C.
Other names: c.4108A>G, p.Ile1370Val (NM_001194937.2); c.3949A>G, p.Ile1317Val (NM_001194938.2); c.4156A>G, p.Ile1386Val (NM_001410860.1); c.3850A>G, p.Ile1284Val (NM_145796.4); c.3976A>G, p.Ile1326Val (NM_207171.2); short protein forms I1284V, I1317V, I1370V, I1326V, I1379V, I1386V.
Identifiers: ClinVar variation 1738108 (VCV001738108.4), dbSNP rs141235383, ClinGen allele CA1090848.